The following is an entry in ClinVar:

NC_000010.10:g.(?_17636184)_(17646066_?)del

Gene: HACD1 (3-hydroxyacyl-CoA dehydratase 1; minus strand). Cytogenetic location: 10p12.33.
Variant type: Deletion.
Identifiers: ClinVar variation 2425916 (VCV002425916.4).

ClinVar aggregate classification (germline): Uncertain significance (1 of 4 stars; one submission).

Submission:

Labcorp Genetics (formerly Invitae), Labcorp
Classification: Uncertain significance. Last evaluated: 2022-03-18. Review status: criteria provided, single submitter. Criteria: Invitae Variant Classification Sherloc (09022015). Collection method: clinical testing. Allele origin: germline.
Comment: In summary, the available evidence is currently insufficient to determine the role of this variant in disease. Therefore, it has been classified as a Variant of Uncertain Significance. Experimental studies and prediction algorithms are not available or were not evaluated, and the functional significance of this variant is currently unknown. This variant has not been reported in the literature in individuals affected with HACD1-related conditions. This variant is a gross deletion of the genomic region encompassing exon(s) 2-6 of the HACD1 gene. While this deletion is not anticipated to lead to nonsense mediated decay, it is expected to disrupt the C-terminus of the protein.